The following is an entry in ClinVar:

NM_001127217.3(SMAD9):c.679C>A (p.Pro227Thr)

Gene: SMAD9 (SMAD family member 9; minus strand). Cytogenetic location: 13q13.3.
Variant type: single nucleotide variant.
Coding change: c.679C>A on transcript NM_001127217.3 (MANE Select); coding-DNA position 679, C replaced by A.
Protein change: p.Pro227Thr; replaces proline 227 with threonine.
Molecular consequence: missense variant. On other transcripts: intron variant (2).
Genome position (GRCh38, 1-based): chr13:36,867,375, G>T on the plus strand (C>A on the coding strand, the complement: SMAD9 is on the minus strand). VCF-style: chr13-36867375-G-T. GRCh37 (hg19) VCF-style: chr13-37441512-G-T.
Other names: c.671-1617C>A (NM_005905.6, NM_001378621.1); short protein forms P227T.
Identifiers: ClinVar variation 1398515 (VCV001398515.7), dbSNP rs1429353457, ClinGen allele CA387870964.

ClinVar aggregate classification (germline): Uncertain significance. Review status: criteria provided, multiple submitters, no conflicts (2 of 4 stars). 2 submissions from 2 submitters: Uncertain significance (2). Last evaluated 2021-10-26.

Conditions:
Pulmonary hypertension, primary, 2. Identifiers: Orphanet 422, MedGen C3888002, MONDO:0014134, OMIM 615342.

Allele frequency attached by ClinVar (database versions not stated): TOPMed below 0.00001; gnomAD 0.00001; gnomAD exomes 0.00001; 1000 Genomes Project 30x 0.00016.
gnomAD v4.1: 5 of 1,545,936 alleles (0.00032%); highest among the groups gnomAD compares: East Asian, 0.012%; no homozygotes.

Submissions (2):

Fulgent Genetics
Classification: Uncertain significance for Pulmonary hypertension, primary, 2. Last evaluated: 2021-10-26. Review status: criteria provided, single submitter. Criteria: ACMG Guidelines, 2015. Collection method: clinical testing. Allele origin: unknown.

Labcorp Genetics (formerly Invitae), Labcorp
Classification: Uncertain significance for Pulmonary hypertension, primary, 2. Last evaluated: 2021-01-21. Review status: criteria provided, single submitter. Criteria: Invitae Variant Classification Sherloc (09022015). Collection method: clinical testing. Allele origin: germline.
Comment: In summary, the available evidence is currently insufficient to determine the role of this variant in disease. Therefore, it has been classified as a Variant of Uncertain Significance. Algorithms developed to predict the effect of missense changes on protein structure and function are either unavailable or do not agree on the potential impact of this missense change (SIFT: "Deleterious"; PolyPhen-2: "Benign"; Align-GVGD: "Class C0"). This variant has not been reported in the literature in individuals with SMAD9-related conditions. This variant is not present in population databases (ExAC no frequency). This sequence change replaces proline with threonine at codon 227 of the SMAD9 protein (p.Pro227Thr). The proline residue is moderately conserved and there is a small physicochemical difference between proline and threonine.